The following is an entry in ClinVar:

ClinVar aggregate classification (germline): Uncertain significance. Review status: criteria provided, multiple submitters, no conflicts (2 of 4 stars). 2 submissions from 2 submitters: Uncertain significance (2). Last evaluated 2024-09-26.

Conditions:
Inborn genetic diseases. Identifiers: MedGen C0950123, MeSH D030342.
Glycosylphosphatidylinositol biosynthesis defect 15. Also called: DEVELOPMENTAL DELAY, EPILEPSY, CEREBELLAR ATROPHY, AND OSTEOPENIA. Identifiers: Orphanet 529665, MedGen C4540520, MONDO:0060627, OMIM 617810.

Allele frequency attached by ClinVar (database versions not stated): TOPMed below 0.00001; gnomAD 0.00001; ExAC 0.00004; gnomAD exomes 0.00005.

Submissions (2):

Ambry Genetics
Classification: Uncertain significance for Inborn genetic diseases. Last evaluated: 2024-09-26. Review status: criteria provided, single submitter. Criteria: Ambry Variant Classification Scheme 2023. Collection method: clinical testing. Allele origin: germline.

Baylor Genetics
Classification: Uncertain significance for Glycosylphosphatidylinositol biosynthesis defect 15. Last evaluated: 2019-11-15. Review status: criteria provided, single submitter. Criteria: ACMG Guidelines, 2015. Collection method: clinical testing. Allele origin: maternal. Affected: yes.
Comment: This variant was determined to be of uncertain significance according to ACMG Guidelines, 2015 [PMID:25741868].

NM_003801.4(GPAA1):c.1723G>T (p.Ala575Ser)

Gene: GPAA1 (glycosylphosphatidylinositol anchor attachment 1; plus strand). Cytogenetic location: 8q24.3.
Variant type: single nucleotide variant.
Coding change: c.1723G>T on transcript NM_003801.4 (MANE Select); coding-DNA position 1723, G replaced by T.
Protein change: p.Ala575Ser; replaces alanine 575 with serine.
Molecular consequence: missense variant.
Genome position (GRCh38, 1-based): chr8:144,085,982, G>T. VCF-style: chr8-144085982-G-T. GRCh37 (hg19) VCF-style: chr8-145140885-G-T.
Other names: short protein forms A575S.
Identifiers: ClinVar variation 1028655 (VCV001028655.2), dbSNP rs781814383, ClinGen allele CA4933246.